The following is an entry in ClinVar:

NM_000045.4(ARG1):c.245G>A (p.Gly82Asp)

Genes: ARG1 (arginase 1; plus strand), MED23 (mediator complex subunit 23; minus strand). Cytogenetic location: 6q23.2.
Variant type: single nucleotide variant.
Coding change: c.245G>A on transcript NM_000045.4 (MANE Select); coding-DNA position 245, G replaced by A.
Protein change: p.Gly82Asp; replaces glycine 82 with aspartic acid.
Molecular consequence: missense variant. On other transcripts: non-coding transcript variant (1), intron variant (2).
Genome position (GRCh38, 1-based): chr6:131,579,225, G>A. VCF-style: chr6-131579225-G-A. GRCh37 (hg19) VCF-style: chr6-131900365-G-A.
Other names: c.269G>A, p.Gly90Asp (NM_001244438.2); c.245G>A, p.Gly82Asp (NM_001369020.1); c.4078-4930C>T (NM_001270521.2); c.4096-4930C>T (NM_015979.4); short protein forms G82D, G90D.
Identifiers: ClinVar variation 1380453 (VCV001380453.5), dbSNP rs774273532, ClinGen allele CA3999204.

ClinVar aggregate classification (germline): Uncertain significance. Review status: criteria provided, multiple submitters, no conflicts (2 of 4 stars). 2 submissions from 2 submitters: Uncertain significance (2). Last evaluated 2023-08-27.

Conditions:
Arginase deficiency. Also called: ARGININEMIA; ARG1 DEFICIENCY; Arginase 1 Deficiency. Identifiers: Orphanet 90, MedGen C0268548, MONDO:0008814, OMIM 207800.

Allele frequency attached by ClinVar (database versions not stated): gnomAD exomes 0.00001; gnomAD 0.00003; TOPMed 0.00002; ExAC 0.00002.
gnomAD v4.1: 45 of 1,613,998 alleles (0.0028%); highest among the groups gnomAD compares: Non-Finnish European, 0.0036%; no homozygotes.

Submissions (2):

Revvity Omics, Revvity
Classification: Uncertain significance for Arginase deficiency. Last evaluated: 2023-08-27. Review status: criteria provided, single submitter. Criteria: ACMG Guidelines, 2015. Collection method: clinical testing. Allele origin: germline.

Labcorp Genetics (formerly Invitae), Labcorp
Classification: Uncertain significance for Arginase deficiency. Last evaluated: 2022-05-08. Review status: criteria provided, single submitter. Criteria: Invitae Variant Classification Sherloc (09022015). Collection method: clinical testing. Allele origin: germline.
Comment: This sequence change replaces glycine, which is neutral and non-polar, with aspartic acid, which is acidic and polar, at codon 82 of the ARG1 protein (p.Gly82Asp). This variant is present in population databases (rs774273532, gnomAD 0.004%). This variant has not been reported in the literature in individuals affected with ARG1-related conditions. Algorithms developed to predict the effect of missense changes on protein structure and function output the following: SIFT: "Tolerated"; PolyPhen-2: "Benign"; Align-GVGD: "Class C0". The aspartic acid amino acid residue is found in multiple mammalian species, which suggests that this missense change does not adversely affect protein function. In summary, the available evidence is currently insufficient to determine the role of this variant in disease. Therefore, it has been classified as a Variant of Uncertain Significance.